The following is an entry in ClinVar:

NM_001145026.2(PTPRQ):c.1261C>T (p.Arg421Ter)

Gene: PTPRQ (protein tyrosine phosphatase receptor type Q; plus strand). Cytogenetic location: 12q21.31.
Variant type: single nucleotide variant.
Coding change: c.1261C>T on transcript NM_001145026.2 (MANE Select); coding-DNA position 1261, C replaced by T.
Protein change: p.Arg421Ter; replaces arginine 421 with a stop codon.
Molecular consequence: nonsense.
Genome position (GRCh38, 1-based): chr12:80,484,507, C>T. VCF-style: chr12-80484507-C-T. GRCh37 (hg19) VCF-style: chr12-80878286-C-T.
Other names: short protein forms R421*.
Identifiers: ClinVar variation 5000187 (VCV005000187.1).

ClinVar aggregate classification (germline): Pathogenic (1 of 4 stars; one submission).

Conditions:
PTPRQ-related disorder. Also called: PTPRQ-related condition.

gnomAD v4.1: 21 of 1,550,930 alleles (0.0014%); highest among the groups gnomAD compares: East Asian, 0.015%; no homozygotes.

Submission:

PreventionGenetics, part of Exact Sciences
Classification: Pathogenic for PTPRQ-related condition. Last evaluated: 2026-08-11. Review status: criteria provided, single submitter. Criteria: ACMG Guidelines, 2015. Collection method: clinical testing. Allele origin: germline.
Comment: The PTPRQ c.1261C>T variant is predicted to result in premature protein termination (p.Arg421*). This variant has been reported in the homozygous state and with a second potentially causative PTPRQ variant in two individuals with profound sensorineural hearing loss (Sakuma et al. 2015. PubMed ID: 25788564). This variant is reported in 0.016% of alleles in individuals of East Asian descent in gnomAD. Nonsense variants in PTPRQ are expected to be pathogenic. This variant is interpreted as pathogenic.